The following is an entry in ClinVar:

NM_013336.4(SEC61A1):c.653A>G (p.His218Arg)

Genes: RUVBL1 (RuvB like AAA ATPase 1; minus strand), SEC61A1 (SEC61 translocon subunit alpha 1; plus strand). Cytogenetic location: 3q21.3.
Variant type: single nucleotide variant.
Coding change: c.653A>G on transcript NM_013336.4 (MANE Select); coding-DNA position 653, A replaced by G.
Protein change: p.His218Arg; replaces histidine 218 with arginine.
Molecular consequence: missense variant. On other transcripts: 3 prime UTR variant (1).
Genome position (GRCh38, 1-based): chr3:128,064,913, A>G. VCF-style: chr3-128064913-A-G. GRCh37 (hg19) VCF-style: chr3-127783756-A-G.
Other names: c.671A>G, p.His224Arg (NM_001400328.1); c.494A>G, p.His165Arg (NM_001400329.1); c.*299T>C (NM_001319086.1); short protein forms H165R, H218R, H224R.
Identifiers: ClinVar variation 3009196 (VCV003009196.3), dbSNP rs1292843602, ClinGen allele CA354397465.

ClinVar aggregate classification (germline): Uncertain significance (1 of 4 stars; one submission).

Allele frequency attached by ClinVar (database versions not stated): gnomAD exomes below 0.00001; gnomAD 0.00001.
gnomAD v4.1: 3 of 1,612,812 alleles (0.00019%); highest among the groups gnomAD compares: Non-Finnish European, 0.00017%; no homozygotes.

Submission:

Labcorp Genetics (formerly Invitae), Labcorp
Classification: Uncertain significance. Last evaluated: 2023-09-24. Review status: criteria provided, single submitter. Criteria: Invitae Variant Classification Sherloc (09022015). Collection method: clinical testing. Allele origin: germline.
Comment: This sequence change replaces histidine, which is basic and polar, with arginine, which is basic and polar, at codon 218 of the SEC61A1 protein (p.His218Arg). This variant is present in population databases (no rsID available, gnomAD 0.004%). This variant has not been reported in the literature in individuals affected with SEC61A1-related conditions. Advanced modeling of protein sequence and biophysical properties (such as structural, functional, and spatial information, amino acid conservation, physicochemical variation, residue mobility, and thermodynamic stability) performed at Invitae indicates that this missense variant is expected to disrupt SEC61A1 protein function. In summary, the available evidence is currently insufficient to determine the role of this variant in disease. Therefore, it has been classified as a Variant of Uncertain Significance.